The following is an entry in ClinVar:

ClinVar aggregate classification (germline): Uncertain significance (1 of 4 stars; one submission).

Conditions:
ALG6-congenital disorder of glycosylation 1C (CDG1C). Also called: Congenital disorder of glycosylation, type Ic; CDG Ic; Congenital disorder of glycosylation type 1C; CARBOHYDRATE-DEFICIENT GLYCOPROTEIN SYNDROME, TYPE I, WITH DEFICIENT GLYCOSYLATION OF DOLICHOL-LINKED OLIGOSACCHARIDE; CARBOHYDRATE-DEFICIENT GLYCOPROTEIN SYNDROME, TYPE V. Identifiers: Orphanet 79320, MedGen C2930997, MONDO:0011291, OMIM 603147.

Submission:

Labcorp Genetics (formerly Invitae), Labcorp
Classification: Uncertain significance for ALG6-congenital disorder of glycosylation 1C. Last evaluated: 2022-07-19. Review status: criteria provided, single submitter. Criteria: Invitae Variant Classification Sherloc (09022015). Collection method: clinical testing. Allele origin: germline.
Comment: This variant has not been reported in the literature in individuals affected with ALG6-related conditions. This variant is not present in population databases (gnomAD no frequency). This sequence change replaces phenylalanine, which is neutral and non-polar, with leucine, which is neutral and non-polar, at codon 228 of the ALG6 protein (p.Phe228Leu). Algorithms developed to predict the effect of missense changes on protein structure and function output the following: SIFT: "Tolerated"; PolyPhen-2: "Benign"; Align-GVGD: "Class C0". The leucine amino acid residue is found in multiple mammalian species, which suggests that this missense change does not adversely affect protein function. In summary, the available evidence is currently insufficient to determine the role of this variant in disease. Therefore, it has been classified as a Variant of Uncertain Significance.

NM_013339.4(ALG6):c.682T>C (p.Phe228Leu)

Gene: ALG6 (ALG6 alpha-1,3-glucosyltransferase; plus strand). Cytogenetic location: 1p31.3.
Variant type: single nucleotide variant.
Coding change: c.682T>C on transcript NM_013339.4 (MANE Select); coding-DNA position 682, T replaced by C.
Protein change: p.Phe228Leu; replaces phenylalanine 228 with leucine.
Molecular consequence: missense variant.
Genome position (GRCh38, 1-based): chr1:63,411,927, T>C. VCF-style: chr1-63411927-T-C. GRCh37 (hg19) VCF-style: chr1-63877598-T-C.
Other names: short protein forms F228L.
Identifiers: ClinVar variation 2097718 (VCV002097718.4), dbSNP rs2523750199, ClinGen allele CA340635259.